The following is an entry in ClinVar:

ClinVar aggregate classification (germline): Uncertain significance (1 of 4 stars; one submission).

Submission:

Dasa
Classification: Uncertain significance. Last evaluated: 2025-09-11. Review status: criteria provided, single submitter. Criteria: DASA Assertion Criteria. Collection method: clinical testing. Allele origin: germline.
Comment: NM_014712.3(SETD1A):c.1072C>A (p.Gln358Lys) is a missense variant that results in the substitution of glutamine with lysine. This variant is rare in population databases. The currently available literature and clinical evidence are not sufficient to establish a definitive association between this variant and the reported condition. Therefore, this variant is classified as a variant of uncertain significance.

NM_014712.3(SETD1A):c.1072C>A (p.Gln358Lys)

Gene: SETD1A (SET domain containing 1A, histone lysine methyltransferase; plus strand). Cytogenetic location: 16p11.2.
Variant type: single nucleotide variant.
Coding change: c.1072C>A on transcript NM_014712.3 (MANE Select); coding-DNA position 1072, C replaced by A.
Protein change: p.Gln358Lys; replaces glutamine 358 with lysine.
Molecular consequence: missense variant.
Genome position (GRCh38, 1-based): chr16:30,964,814, C>A. VCF-style: chr16-30964814-C-A. GRCh37 (hg19) VCF-style: chr16-30976135-C-A.
Other names: short protein forms Q358K.
Identifiers: ClinVar variation 5020866 (VCV005020866.1).